The following is an entry in ClinVar:

NC_012920.1(MT-TR):m.10450A>G

Gene: MT-TR (mitochondrially encoded tRNA arginine; plus strand).
Variant type: single nucleotide variant.
Genome position: chrM-10450-A-G.
Other names: 10450A-G.
Identifiers: ClinVar variation 30000 (VCV000030000.3), dbSNP rs387906731, ClinGen allele CA128828.

ClinVar aggregate classification (germline): Uncertain significance. Review status: reviewed by expert panel (3 of 4 stars). 3 submissions from 3 submitters: Uncertain significance (1). 2 of the submissions do not count toward it. Last evaluated 2024-02-26.

Conditions:
Mitochondrial disease. Also called: Mitochondrial disorder; Mitochondrial disorders. Identifiers: Orphanet 68380, MedGen C0751651, MeSH D028361, MONDO:0044970.
Mitochondrial encephalomyopathy. Identifiers: MedGen C0162666, MONDO:0004675.

Submissions (3):

ClinGen Mitochondrial Disease Nuclear and Mitochondrial  Variant Curation Expert Panel, ClinGen
Classification: Uncertain significance for Mitochondrial disease. Last evaluated: 2024-02-26. Review status: reviewed by expert panel. Criteria: clingen mito disease acmg specifications v1-1. Collection method: curation. Allele origin: germline. Inheritance: Mitochondrial inheritance.
Comment: The m.10450A>G variant in MT-TR has been reported in one individual with primary mitochondrial disease (PMID: 19809478). This child had reduced birth weight, length, and head circumference. Shortly after birth, this child was noted to have severe generalized hypotonia, respiratory insufficiency, feeding difficulty, and anemia. Brain imaging showed hypoplastic corpus callosum, abnormal signal in the basal ganglia, and progressive cerebral and cerebellar atrophy. Muscle biopsy showed reduced COX staining, and activities of complexes I, III (muscle only), and IV were reduced in skeletal muscle and/or fibroblasts. There were also reduced levels of fully assembled complexes I, IV and V. Steady state levels of tRNA Arg were reduced in fibroblasts. The variant was present in skeletal muscle at 93% heteroplasmy and in fibroblasts at 92% heteroplasmy. This variant is absent in the GenBank dataset and gnomAD v3.1.2, and there is one heteroplasmic occurrence in the Helix dataset (PM2_supporting). The computational predictor MitoTIP suggests this variant is pathogenic (69.6 percentile) and HmtVAR predicts it to be pathogenic with a score of 0.65 (PP3). Cybrid studies recapitulated the findings in the patient as they showed reduced in-gel complex I activity and reduced fully assembled complex I, IV, and V; marked reduction in the amount of tRNA Arg; and faster migration of mutant tRNAs in non-denatured conditions (PMID: 19809478; PS3_moderate). In summary, this variant meets criteria to be classified as uncertain significance for primary mitochondrial disease inherited in a mitochondrial manner. This classification was approved by the NICHD/NINDS U24 ClinGen Mitochondrial Disease Variant Curation Expert Panel on February 26, 2024. Mitochondrial DNA-specific ACMG/AMP criteria applied (PMID: 32906214): PM2_supporting, PP3, PS3_moderate.

Mendelics
Classification: Pathogenic for Mitochondrial disease. Last evaluated: 2022-05-04. Review status: criteria provided, single submitter. Criteria: Mendelics Assertion Criteria 2019. Collection method: clinical testing. Allele origin: germline. Not counted in ClinVar's aggregate classification.

OMIM
Classification: Pathogenic for ENCEPHALOMYOPATHY, MITOCHONDRIAL. Last evaluated: 2010-03-01. Review status: no assertion criteria provided. Collection method: literature only. Allele origin: germline. Not counted in ClinVar's aggregate classification.

Literature cited by the submitters: PubMed 19809478 (cited by ClinGen Mitochondrial Disease Nuclear and Mitochondrial  Variant Curation Expert Panel, ClinGen and OMIM).